The following is an entry in ClinVar:

ClinVar aggregate classification (germline): Uncertain significance (1 of 4 stars; one submission).

Submission:

GeneDx
Classification: Uncertain significance. Last evaluated: 2025-10-31. Review status: criteria provided, single submitter. Criteria: GeneDx Variant Classification Process June 2021. Collection method: clinical testing. Allele origin: germline.
Comment: Not observed at significant frequency in large population cohorts (gnomAD); In silico analysis supports that this missense variant has a deleterious effect on protein structure/function; Has not been previously published as pathogenic or benign to our knowledge

NM_001130438.3(SPTAN1):c.1334T>C (p.Leu445Pro)

Gene: SPTAN1 (spectrin alpha, non-erythrocytic 1; plus strand). Cytogenetic location: 9q34.11.
Variant type: single nucleotide variant.
Coding change: c.1334T>C on transcript NM_001130438.3 (MANE Select); coding-DNA position 1334, T replaced by C.
Protein change: p.Leu445Pro; replaces leucine 445 with proline.
Molecular consequence: missense variant.
Genome position (GRCh38, 1-based): chr9:128,580,932, T>C. VCF-style: chr9-128580932-T-C. GRCh37 (hg19) VCF-style: chr9-131343211-T-C.
Other names: c.1370T>C, p.Leu457Pro (NM_001375318.1, NM_001375312.2); c.1334T>C, p.Leu445Pro (NM_003127.4, NM_001195532.2, NM_001363759.2 and 5 more transcripts); short protein forms L445P, L457P.
Identifiers: ClinVar variation 2580770 (VCV002580770.2), dbSNP rs2541117669, ClinGen allele CA375053219.
Genomic context (GRCh38, chr9:128,580,932, plus strand): 5'-GGCATTGGGGCTGACCTCATCTCCCTGACCATGTCTCCTATGCCCCCAAGCTGACCGTCC[T>C]TTCCGAGGAGAGAGCGGCGCTGCTGGAGCTGTGGGAGCTGCGCAGGCAGCAGTACGAGCA-3'
Protein context (NP_001123910.1, residues 435-455): SDEVREKLTV[Leu445Pro]SEERAALLEL